The following is an entry in ClinVar:

NM_000548.5(TSC2):c.1504C>T (p.His502Tyr)

Gene: TSC2 (TSC complex subunit 2; plus strand). Cytogenetic location: 16p13.3.
Variant type: single nucleotide variant.
Coding change: c.1504C>T on transcript NM_000548.5 (MANE Select); coding-DNA position 1504, C replaced by T.
Protein change: p.His502Tyr; replaces histidine 502 with tyrosine.
Molecular consequence: missense variant.
Genome position (GRCh38, 1-based): chr16:2,064,332, C>T. VCF-style: chr16-2064332-C-T. GRCh37 (hg19) VCF-style: chr16-2114333-C-T.
Other names: c.1504C>T, p.His502Tyr (NM_001077183.3, NM_001114382.3, NM_001363528.2 and 3 more transcripts); c.1393C>T, p.His465Tyr (NM_001318827.2); c.1357C>T, p.His453Tyr (NM_001318829.2); c.904C>T, p.His302Tyr (NM_001318831.2); c.1537C>T, p.His513Tyr (NM_001318832.2); short protein forms H502Y, H465Y, H513Y, H302Y, H453Y.
Identifiers: ClinVar variation 569655 (VCV000569655.15), dbSNP rs1567437505, ClinGen allele CA394326071.
Genomic context (GRCh38, chr16:2,064,332, plus strand): 5'-GAGGAGCTGATTAACTCAGTGGTCATCTCGCAGCTCTCCCACATCCCCGAGGATAAAGAC[C>T]ACCAGGTCCGAAAGCTGGCCACCCAGTTGCTGGTGGACCTGGCAGAGGGCTGCCACACAC-3'
Protein context (NP_000539.2, residues 492-512): QLSHIPEDKD[His502Tyr]QVRKLATQLL

ClinVar aggregate classification (germline): Uncertain significance. Review status: criteria provided, multiple submitters, no conflicts (2 of 4 stars). 4 submissions from 4 submitters: Uncertain significance (4). Last evaluated 2025-05-26.

Conditions:
Hereditary cancer-predisposing syndrome. Also called: Hereditary neoplastic syndrome; Neoplastic Syndromes, Hereditary; Hereditary Cancer Syndrome; Tumor predisposition. Identifiers: Orphanet 140162, MedGen C0027672, MeSH D009386, MONDO:0015356.
Tuberous sclerosis 2 (TSC2). Identifiers: Orphanet 805, MedGen C1860707, MONDO:0013199, OMIM 613254.

Allele frequency attached by ClinVar (database versions not stated): gnomAD 0.00001.
gnomAD v4.1: 1 of 1,613,724 alleles (0.000062%); highest among the groups gnomAD compares: African/African-American, 0.0013%; no homozygotes.

Submissions (4):

Ambry Genetics
Classification: Uncertain significance for Hereditary cancer-predisposing syndrome. Last evaluated: 2025-05-26. Review status: criteria provided, single submitter. Criteria: Ambry Variant Classification Scheme 2023. Collection method: clinical testing. Allele origin: germline.
Comment: The p.H502Y variant (also known as c.1504C>T), located in coding exon 14 of the TSC2 gene, results from a C to T substitution at nucleotide position 1504. The histidine at codon 502 is replaced by tyrosine, an amino acid with similar properties. This amino acid position is not well conserved in available vertebrate species. In addition, the in silico prediction for this alteration is inconclusive. Based on the available evidence, the clinical significance of this variant remains unclear.

Labcorp Genetics (formerly Invitae), Labcorp
Classification: Uncertain significance for Tuberous sclerosis 2. Last evaluated: 2025-01-30. Review status: criteria provided, single submitter. Criteria: Invitae Variant Classification Sherloc (09022015). Collection method: clinical testing. Allele origin: germline.
Comment: This sequence change replaces histidine, which is basic and polar, with tyrosine, which is neutral and polar, at codon 502 of the TSC2 protein (p.His502Tyr). This variant is not present in population databases (gnomAD no frequency). This variant has not been reported in the literature in individuals affected with TSC2-related conditions. ClinVar contains an entry for this variant (Variation ID: 569655). Invitae Evidence Modeling of protein sequence and biophysical properties (such as structural, functional, and spatial information, amino acid conservation, physicochemical variation, residue mobility, and thermodynamic stability) indicates that this missense variant is not expected to disrupt TSC2 protein function with a negative predictive value of 95%. In summary, the available evidence is currently insufficient to determine the role of this variant in disease. Therefore, it has been classified as a Variant of Uncertain Significance.

St. Jude Molecular Pathology, St. Jude Children's Research Hospital
Classification: Uncertain significance for Tuberous sclerosis 2. Last evaluated: 2024-04-12. Review status: criteria provided, single submitter. Criteria: St. Jude Assertion Criteria 2020. Collection method: clinical testing. Allele origin: germline.
Comment: The TSC2 c.1504C>T (p.His502Tyr) missense change is absent in gnomAD v2.1.1. The in silico tool REVEL predicts a benign effect on protein function, but this prediction has not been confirmed by functional studies. This variant has not been reported in individuals with tuberous sclerosis complex. In summary, the evidence currently available is insufficient to determine the clinical significance of this variant. It has therefore been classified as of uncertain significance.

Genome-Nilou Lab
Classification: Uncertain significance for Tuberous sclerosis 2. Last evaluated: 2021-11-07. Review status: criteria provided, single submitter. Criteria: ACMG Guidelines, 2015. Collection method: clinical testing. Allele origin: germline. Affected: no.